The following is an entry in ClinVar:

NM_001367479.1(DNAH14):c.7603C>T (p.Leu2535Phe)

Gene: DNAH14 (dynein axonemal heavy chain 14; plus strand). Cytogenetic location: 1q42.12.
Variant type: single nucleotide variant.
Coding change: c.7603C>T on transcript NM_001367479.1 (MANE Select); coding-DNA position 7603, C replaced by T.
Protein change: p.Leu2535Phe; replaces leucine 2535 with phenylalanine.
Molecular consequence: missense variant.
Genome position (GRCh38, 1-based): chr1:225,270,798, C>T. VCF-style: chr1-225270798-C-T. GRCh37 (hg19) VCF-style: chr1-225458500-C-T.
Other names: NM_001373.1:c.7585C>T; short protein forms L2535F.
Identifiers: ClinVar variation 3083662 (VCV003083662.3), dbSNP rs764160191, ClinGen allele CA1416346.

ClinVar aggregate classification (germline): Uncertain significance. Review status: criteria provided, multiple submitters, no conflicts (2 of 4 stars). 3 submissions from 3 submitters: Uncertain significance (3). Last evaluated 2025-02-05.

Allele frequency attached by ClinVar (database versions not stated): gnomAD exomes 0.00006; gnomAD 0.00007; TOPMed 0.00007; ExAC 0.00009.
gnomAD v4.1: 91 of 1,551,074 alleles (0.0059%); highest among the groups gnomAD compares: Middle Eastern, 0.083%; no homozygotes.

Submissions (3):

Greenwood Genetic Center Diagnostic Laboratories, Greenwood Genetic Center
Classification: Uncertain significance. Last evaluated: 2025-02-05. Review status: criteria provided, single submitter. Criteria: ACMG Guidelines, 2015. Collection method: clinical testing. Allele origin: germline.
Comment: Gene of Uncertain Significance

GeneDx
Classification: Uncertain significance. Last evaluated: 2024-12-23. Review status: criteria provided, single submitter. Criteria: GeneDx Variant Classification Process June 2021. Collection method: clinical testing. Allele origin: germline. Affected: yes.
Comment: In silico analysis supports that this missense variant has a deleterious effect on protein structure/function; Has not been previously published as pathogenic or benign to our knowledge

Ambry Genetics
Classification: Uncertain significance. Last evaluated: 2024-01-24. Review status: criteria provided, single submitter. Criteria: Ambry Variant Classification Scheme 2023. Collection method: clinical testing. Allele origin: germline.